The following is an entry in ClinVar:

ClinVar aggregate classification (germline): Likely pathogenic (1 of 4 stars; one submission).

Conditions:
Intellectual disability-severe speech delay-mild dysmorphism syndrome (IDDLA). Also called: Intellectual developmental disorder with language impairment AND with or without autistic features; Mental retardation with language impairment and autistic features; FOXP1 Syndrome. Identifiers: Orphanet 391372, MedGen C4013764, MONDO:0013352, OMIM 613670.

Submission:

3billion
Classification: Likely pathogenic for Intellectual disability-severe speech delay-mild dysmorphism syndrome. Last evaluated: 2024-11-07. Review status: criteria provided, single submitter. Criteria: ACMG Guidelines, 2015. Collection method: clinical testing. Allele origin: germline. Affected: yes.
Comment: The variant is not observed in the gnomAD v4.1.0 dataset. Predicted Consequence/Location: Canonical splice site: predicted to alter splicing and result in a loss or disruption of normal protein function. Multiple pathogenic loss-of-function variants are reported downstream of the variant. In silico tools predict the variant to alter splicing and produce an abnormal transcript [SpliceAI: 0.99 (spliceogenicity >=0.2, non-spliceogenicity <0.1)]. Therefore, this variant is classified as Likely pathogenic according to the recommendation of ACMG/AMP guideline.

NM_001349338.3(FOXP1):c.1653-1G>C

Gene: FOXP1 (forkhead box P1; minus strand). Cytogenetic location: 3p13.
Variant type: single nucleotide variant.
Coding change: c.1653-1G>C on transcript NM_001349338.3 (MANE Select); the canonical splice acceptor site of the intron before coding-DNA position 1653, G replaced by C.
Molecular consequence: splice acceptor variant.
Genome position (GRCh38, 1-based): chr3:70,970,806, C>G on the plus strand (G>C on the coding strand, the complement: FOXP1 is on the minus strand). VCF-style: chr3-70970806-C-G. GRCh37 (hg19) VCF-style: chr3-71019957-C-G.
Other names: c.1701-1G>C (NM_001244810.2); c.1653-1G>C (NM_032682.6, NM_001349340.3, NM_001244816.2 and 1 more transcripts); c.1650-1G>C (NM_001349341.3, NM_001244808.3); c.1425-1G>C (NM_001244812.3); c.1350-1G>C (NM_001349343.3, NM_001349337.2, NM_001370548.1 and 1 more transcripts); c.1353-1G>C (NM_001349342.3, NM_001244815.2, NM_001244813.3).
Identifiers: ClinVar variation 4293471 (VCV004293471.1).
Genomic context (GRCh38, chr3:70,970,806, plus strand): 5'-GCATTGAGAGGTGTGCAGTAGGCGTGGCTGCTCTGCATGTTTTTAATAAGGGAAGGGTTA[C>G]TGTGTAAGAAAAACATAAAAACTCAAAGTTAAACACAGTCGACTGCTGAGTTCCTAGCTA-3'